The following is an entry in ClinVar:

ClinVar aggregate classification (germline): Uncertain significance (1 of 4 stars; one submission).

Conditions:
Nephronophthisis 14 (NPHP14). Identifiers: Orphanet 2318, MedGen C3539071, MONDO:0013916, OMIM 614844.

Submission:

Labcorp Genetics (formerly Invitae), Labcorp
Classification: Uncertain significance for Nephronophthisis 14. Last evaluated: 2021-07-21. Review status: criteria provided, single submitter. Criteria: Invitae Variant Classification Sherloc (09022015). Collection method: clinical testing. Allele origin: germline.
Comment: This sequence change replaces proline with serine at codon 846 of the ZNF423 protein (p.Pro846Ser). The proline residue is moderately conserved and there is a moderate physicochemical difference between proline and serine. This variant is not present in population databases (ExAC no frequency). This variant has not been reported in the literature in individuals affected with ZNF423-related conditions. Algorithms developed to predict the effect of missense changes on protein structure and function (SIFT, PolyPhen-2, Align-GVGD) all suggest that this variant is likely to be tolerated. In summary, the available evidence is currently insufficient to determine the role of this variant in disease. Therefore, it has been classified as a Variant of Uncertain Significance.

NM_001379286.1(ZNF423):c.2560C>T (p.Pro854Ser)

Gene: ZNF423 (zinc finger protein 423; minus strand). Cytogenetic location: 16q12.1.
Variant type: single nucleotide variant.
Coding change: c.2560C>T on transcript NM_001379286.1 (MANE Select); coding-DNA position 2560, C replaced by T.
Protein change: p.Pro854Ser; replaces proline 854 with serine.
Molecular consequence: missense variant.
Genome position (GRCh38, 1-based): chr16:49,636,616, G>A on the plus strand (C>T on the coding strand, the complement: ZNF423 is on the minus strand). VCF-style: chr16-49636616-G-A. GRCh37 (hg19) VCF-style: chr16-49670527-G-A.
Other names: c.2356C>T, p.Pro786Ser (NM_001271620.2); c.2185C>T, p.Pro729Ser (NM_001330533.2); c.2536C>T, p.Pro846Ser (NM_015069.5); short protein forms P846S, P786S, P854S, P729S.
Identifiers: ClinVar variation 1367028 (VCV001367028.8), dbSNP rs1972723732, ClinGen allele CA395842484.